The following is an entry in ClinVar:

ClinVar aggregate classification (germline): Uncertain significance (1 of 4 stars; one submission).

Allele frequency attached by ClinVar (database versions not stated): TOPMed 0.00001; gnomAD 0.00002; ESP Exome Variant Server 0.00008.
gnomAD v4.1: 3 of 1,614,006 alleles (0.00019%); highest among the groups gnomAD compares: African/African-American, 0.0027%; no homozygotes.

Submission:

Labcorp Genetics (formerly Invitae), Labcorp
Classification: Uncertain significance. Last evaluated: 2021-06-05. Review status: criteria provided, single submitter. Criteria: Invitae Variant Classification Sherloc (09022015). Collection method: clinical testing. Allele origin: germline.
Comment: Algorithms developed to predict the effect of missense changes on protein structure and function (SIFT, PolyPhen-2, Align-GVGD) all suggest that this variant is likely to be disruptive, but these predictions have not been confirmed by published functional studies and their clinical significance is uncertain. In summary, the available evidence is currently insufficient to determine the role of this variant in disease. Therefore, it has been classified as a Variant of Uncertain Significance. This variant has not been reported in the literature in individuals with ACVR1-related conditions. This variant is present in population databases (rs144048685, ExAC 0.02%). This sequence change replaces lysine with asparagine at codon 346 of the ACVR1 protein (p.Lys346Asn). The lysine residue is highly conserved and there is a moderate physicochemical difference between lysine and asparagine.

NM_001111067.4(ACVR1):c.1038G>T (p.Lys346Asn)

Gene: ACVR1 (activin A receptor type 1; minus strand). Cytogenetic location: 2q24.1.
Variant type: single nucleotide variant.
Coding change: c.1038G>T on transcript NM_001111067.4 (MANE Select); coding-DNA position 1038, G replaced by T.
Protein change: p.Lys346Asn; replaces lysine 346 with asparagine.
Molecular consequence: missense variant.
Genome position (GRCh38, 1-based): chr2:157,765,949, C>A on the plus strand (G>T on the coding strand, the complement: ACVR1 is on the minus strand). VCF-style: chr2-157765949-C-A. GRCh37 (hg19) VCF-style: chr2-158622461-C-A.
Other names: c.1038G>T, p.Lys346Asn (NM_001105.5, NM_001347663.1, NM_001347664.1 and 3 more transcripts); short protein forms K346N.
Identifiers: ClinVar variation 1448292 (VCV001448292.8), dbSNP rs144048685, ClinGen allele CA1919031.